The following is an entry in ClinVar:

NM_213622.4(STAMBP):c.100C>T (p.Arg34Cys)

Genes: STAMBP (STAM binding protein; plus strand), LOC126806253 (CDK7 strongly-dependent group 2 enhancer GRCh37_chr2:74057585-74058784; plus strand). Cytogenetic location: 2p13.1.
Variant type: single nucleotide variant.
Coding change: c.100C>T on transcript NM_213622.4 (MANE Select); coding-DNA position 100, C replaced by T.
Protein change: p.Arg34Cys; replaces arginine 34 with cysteine.
Molecular consequence: missense variant. On other transcripts: 5 prime UTR variant (5), non-coding transcript variant (4), intron variant (1).
Genome position (GRCh38, 1-based): chr2:73,830,956, C>T. VCF-style: chr2-73830956-C-T. GRCh37 (hg19) VCF-style: chr2-74058083-C-T.
Other names: c.100C>T, p.Arg34Cys (NM_001353967.2, NM_001353968.2, NM_001353969.2 and 3 more transcripts); c.-454C>T (NM_001353971.2, NM_001353973.2, NM_001353974.2 and 2 more transcripts); c.-203+1960C>T (NM_001353972.2); c.100C>T (NM_213622.2); short protein forms R34C.
Identifiers: ClinVar variation 1351413 (VCV001351413.9), dbSNP rs145850419, ClinGen allele CA50394893.

ClinVar aggregate classification (germline): Uncertain significance. Review status: criteria provided, multiple submitters, no conflicts (2 of 4 stars). 2 submissions from 2 submitters: Uncertain significance (2). Last evaluated 2025-12-15.

Conditions:
Inborn genetic diseases. Identifiers: MedGen C0950123, MeSH D030342.

Allele frequency attached by ClinVar (database versions not stated): gnomAD 0.00001; gnomAD exomes 0.00001; TOPMed 0.00002; ESP Exome Variant Server 0.00008.
gnomAD v4.1: 7 of 1,614,054 alleles (0.00043%); highest among the groups gnomAD compares: East Asian, 0.0022%; no homozygotes.

Submissions (2):

Ambry Genetics
Classification: Uncertain significance for Inborn genetic diseases. Last evaluated: 2025-12-15. Review status: criteria provided, single submitter. Criteria: Ambry Variant Classification Scheme 2023. Collection method: clinical testing. Allele origin: germline.

Labcorp Genetics (formerly Invitae), Labcorp
Classification: Uncertain significance. Last evaluated: 2022-07-19. Review status: criteria provided, single submitter. Criteria: Invitae Variant Classification Sherloc (09022015). Collection method: clinical testing. Allele origin: germline.
Comment: This sequence change replaces arginine, which is basic and polar, with cysteine, which is neutral and slightly polar, at codon 34 of the STAMBP protein (p.Arg34Cys). In summary, the available evidence is currently insufficient to determine the role of this variant in disease. Therefore, it has been classified as a Variant of Uncertain Significance. Algorithms developed to predict the effect of missense changes on protein structure and function are either unavailable or do not agree on the potential impact of this missense change (SIFT: "Deleterious"; PolyPhen-2: "Probably Damaging"; Align-GVGD: "Class C0"). ClinVar contains an entry for this variant (Variation ID: 1351413). This variant has not been reported in the literature in individuals affected with STAMBP-related conditions. This variant is present in population databases (rs145850419, gnomAD 0.006%).